The following is an entry in ClinVar:

ClinVar aggregate classification (germline): Pathogenic. Review status: criteria provided, multiple submitters, no conflicts (2 of 4 stars). 3 submissions from 3 submitters: Pathogenic (3). Last evaluated 2025-04-17.

Conditions:
Hypertrophic cardiomyopathy. Also called: HYPERTROPHIC MYOCARDIOPATHY. Identifiers: Orphanet 217569, MedGen C0007194, MeSH D002312, MONDO:0005045, HP:0001639.

Allele frequency attached by ClinVar (database versions not stated): gnomAD exomes below 0.00001.
gnomAD v4.1: 1 of 1,614,038 alleles (0.000062%); highest among the groups gnomAD compares: Non-Finnish European, 0.000085%; no homozygotes.

Submissions (3):

Labcorp Genetics (formerly Invitae), Labcorp
Classification: Pathogenic for Hypertrophic cardiomyopathy. Last evaluated: 2025-04-17. Review status: criteria provided, single submitter. Criteria: Invitae Variant Classification Sherloc (09022015). Collection method: clinical testing. Allele origin: germline.
Comment: This sequence change affects a donor splice site in intron 23 of the MYBPC3 gene. It is expected to disrupt RNA splicing. Variants that disrupt the donor or acceptor splice site typically lead to a loss of protein function (PMID: 16199547), and loss-of-function variants in MYBPC3 are known to be pathogenic (PMID: 19574547). This variant is not present in population databases (gnomAD no frequency). Disruption of this splice site has been observed in individuals with hypertrophic cardiomyopathy (PMID: 18957093). It has also been observed to segregate with disease in related individuals. ClinVar contains an entry for this variant (Variation ID: 42611). Algorithms developed to predict the effect of sequence changes on RNA splicing suggest that this variant may disrupt the consensus splice site. For these reasons, this variant has been classified as Pathogenic.

GeneDx
Classification: Pathogenic. Last evaluated: 2023-10-19. Review status: criteria provided, single submitter. Criteria: GeneDx Variant Classification Process June 2021. Collection method: clinical testing. Allele origin: germline. Affected: yes.
Comment: Not observed in large population cohorts (gnomAD); Canonical splice site variant predicted to result in a null allele in a gene for which loss of function is a known mechanism of disease; This variant is associated with the following publications: (PMID: 25525159, 9562578, 27532257)

Laboratory for Molecular Medicine, Mass General Brigham Personalized Medicine
Classification: Pathogenic for Hypertrophic cardiomyopathy. Last evaluated: 2017-05-04. Review status: criteria provided, single submitter. Criteria: LMM Criteria. Collection method: clinical testing. Allele origin: germline. Observed: 2 variant alleles.
Comment: The c.2308+1G>T variant in MYBPC3 has been reported in 1 individual with HCM and segregated with disease in 4 affected relatives (Niimura 1998). It has not be en identified in large population studies. This variant occurs in the invariant region (+/- 1,2) of the splice consensus sequence and is predicted to cause alte red splicing leading to an abnormal or absent protein. In addition, functional studies indicate this variant leads to aberrant splicing (Niimura 1998). Heteroz ygous loss of function of the MYBPC3 gene is an established disease mechanism in individuals with cardiomyopathy. In summary, this variant meets criteria to be classified as pathogenic for cardiomyopathy in an autosomal dominant manner.

Literature cited by the submitters: PubMed 16199547 (cited by Labcorp Genetics (formerly Invitae), Labcorp); PubMed 19574547 (cited by Labcorp Genetics (formerly Invitae), Labcorp); PubMed 18957093 (cited by Labcorp Genetics (formerly Invitae), Labcorp); PubMed 9562578 (cited by Laboratory for Molecular Medicine, Mass General Brigham Personalized Medicine); PubMed 27532257 (cited by Laboratory for Molecular Medicine, Mass General Brigham Personalized Medicine).

NM_000256.3(MYBPC3):c.2308+1G>T

Gene: MYBPC3 (myosin binding protein C3; minus strand). Cytogenetic location: 11p11.2.
Variant type: single nucleotide variant.
Coding change: c.2308+1G>T on transcript NM_000256.3 (MANE Select); the canonical splice donor site of the intron after coding-DNA position 2308, G replaced by T.
Molecular consequence: splice donor variant.
Genome position (GRCh38, 1-based): chr11:47,338,519, C>A on the plus strand (G>T on the coding strand, the complement: MYBPC3 is on the minus strand). VCF-style: chr11-47338519-C-A. GRCh37 (hg19) VCF-style: chr11-47360070-C-A.
Identifiers: ClinVar variation 42611 (VCV000042611.15), dbSNP rs112738974, ClinGen allele CA012008.